The following is an entry in ClinVar:

ClinVar aggregate classification (germline): Benign (1 of 4 stars; one submission).

Conditions:
CFH-Related Dense Deposit Disease / Membranoproliferative Glomerulonephritis Type II. Identifiers: MedGen CN071292.

Allele frequency attached by ClinVar (database versions not stated): gnomAD exomes 0.00090; 1000 Genomes Project 30x 0.01015; 1000 Genomes Project 0.01138; gnomAD 0.01232 and 0.01334; TOPMed 0.01385.
gnomAD v4.1: 1,823 of 159,814 alleles (1.1%); highest among the groups gnomAD compares: African/African-American, 4%; 39 homozygotes.

Submission:

Illumina Laboratory Services, Illumina
Classification: Benign for Membranoproliferative glomerulonephritis with complement factor h deficiency. Last evaluated: 2018-01-13. Review status: criteria provided, single submitter. Criteria: ICSL Variant Classification Criteria 13 December 2019. Collection method: clinical testing. Allele origin: germline.
Comment: This variant was observed in the ICSL laboratory as part of a predisposition screen in an ostensibly healthy population. It had not been previously curated by ICSL or reported in the Human Gene Mutation Database (HGMD: prior to June 1st, 2018), and was therefore a candidate for classification through an automated scoring system. Utilizing variant allele frequency, disease prevalence and penetrance estimates, and inheritance mode, an automated score was calculated to assess if this variant is too frequent to cause the disease. Based on the score and internal cut-off values, a variant classified as benign is not then subjected to further curation. The score for this variant resulted in a classification of benign for this disease.

NM_030787.4(CFHR5):c.*397C>G

Gene: CFHR5 (complement factor H related 5; plus strand). Cytogenetic location: 1q31.3.
Variant type: single nucleotide variant.
Coding change: c.*397C>G on transcript NM_030787.4 (MANE Select); 397 bases downstream of the stop codon, C replaced by G.
Molecular consequence: 3 prime UTR variant.
Genome position (GRCh38, 1-based): chr1:197,009,080, C>G. VCF-style: chr1-197009080-C-G. GRCh37 (hg19) VCF-style: chr1-196978210-C-G.
Identifiers: ClinVar variation 294556 (VCV000294556.5), dbSNP rs115744316, ClinGen allele CA10608684.
Genomic context (GRCh38, chr1:197,009,080, plus strand): 5'-ATAATATGCTGGAAGGCATCACAACATGGTGGAAGGGATCACGTGGCAAAAGAGCATGTA[C>G]ATGGGAGTGAGAGAAAAAGAGAGAGAGAGACAGAGTGGCGGGGGCGGGGAGGAGCGCAAA-3'